The following is an entry in ClinVar:

NM_003919.3(SGCE):c.591C>T (p.Asn197=)

Genes: CASD1 (CAS1 domain sialic acid O acetyltransferase 1; plus strand), SGCE (sarcoglycan epsilon; minus strand). Cytogenetic location: 7q21.3.
Variant type: single nucleotide variant.
Coding change: c.591C>T on transcript NM_003919.3 (MANE Select); coding-DNA position 591, C replaced by T.
Protein change: p.Asn197=; no amino-acid change (asparagine 197 retained).
Molecular consequence: synonymous variant.
Genome position (GRCh38, 1-based): chr7:94,618,829, G>A on the plus strand (C>T on the coding strand, the complement: SGCE is on the minus strand). VCF-style: chr7-94618829-G-A. GRCh37 (hg19) VCF-style: chr7-94248141-G-A.
Other names: c.591C>T, p.Asn197= (NM_001099400.2, NM_001099401.2, NM_001346717.2); c.468C>T, p.Asn156= (NM_001301139.2, NM_001362809.2); c.699C>T, p.Asn233= (NM_001346713.2, NM_001346715.2); c.504C>T, p.Asn168= (NM_001346719.2, NM_001362807.2); c.318C>T, p.Asn106= (NM_001346720.2, NM_001362808.2).
Identifiers: ClinVar variation 700416 (VCV000700416.19), dbSNP rs372968907, ClinGen allele CA4348764.

ClinVar aggregate classification (germline): Benign/Likely benign. Review status: criteria provided, multiple submitters, no conflicts (2 of 4 stars). 2 submissions from 2 submitters: Benign (1); Likely benign (1). Last evaluated 2025-12-21.

Conditions:
Myoclonic dystonia 11 (DYT11). Also called: Dystonia, alcohol responsive; Hereditary essential myoclonus; Myoclonic dystonia; Dystonia 11; SGCE Myoclonus-Dystonia; Myoclonus-Dystonia. Identifiers: Orphanet 36899, MedGen C1834570, MONDO:0008044, OMIM 159900.

Allele frequency attached by ClinVar (database versions not stated): ESP Exome Variant Server 0.00008; gnomAD 0.00017 and 0.00002; gnomAD exomes 0.00020 and 0.00031; ExAC 0.00044; 1000 Genomes Project 30x 0.00156; 1000 Genomes Project 0.00160; TOPMed 0.00005.
gnomAD v4.1: 319 of 1,614,010 alleles (0.02%); highest among the groups gnomAD compares: South Asian, 0.29%; 6 homozygotes.

Submissions (2):

Labcorp Genetics (formerly Invitae), Labcorp
Classification: Benign for Myoclonic dystonia 11. Last evaluated: 2025-12-21. Review status: criteria provided, single submitter. Criteria: Invitae Variant Classification Sherloc (09022015). Collection method: clinical testing. Allele origin: germline.

CeGaT Center for Human Genetics Tuebingen
Classification: Likely benign. Last evaluated: 2025-06-01. Review status: criteria provided, single submitter. Criteria: CeGaT Center For Human Genetics Tuebingen Variant Classification Criteria Version 2. Collection method: clinical testing. Allele origin: germline. Affected: yes. Observed: 1 variant allele.
Comment: SGCE: BP4, BP7